The following is an entry in ClinVar:

ClinVar aggregate classification (germline): Conflicting classifications of pathogenicity. Review status: criteria provided, conflicting classifications (1 of 4 stars). 2 submissions from 2 submitters: Uncertain significance (1); Likely benign (1). Last evaluated 2023-05-16.

Conditions:
Wilms tumor 1 (WT1). Also called: Wilms tumor, somatic. Identifiers: Orphanet 654, MedGen CN033288, MONDO:0008679, OMIM 194070.
Frasier syndrome. Identifiers: Orphanet 347, MedGen C0950122, MeSH D052159, MONDO:0007635, OMIM 136680.
Drash syndrome (DDS). Also called: NEPHROPATHY, WILMS TUMOR, AND GENITAL ANOMALIES; WILMS TUMOR AND PSEUDO- OR TRUE HERMAPHRODITISM. Identifiers: Orphanet 220, MedGen C0950121, MONDO:0008682, OMIM 194080.
11p partial monosomy syndrome (WAGR). Also called: CHROMOSOME 11p13 DELETION SYNDROME; WAGR syndrome; WAGR Complex; WAGR Spectrum Disorder. Identifiers: Orphanet 893, MedGen C0206115, MONDO:0008681, OMIM 194072.

Allele frequency attached by ClinVar (database versions not stated): gnomAD exomes below 0.00001.
gnomAD v4.1: 3 of 1,613,872 alleles (0.00019%); highest among the groups gnomAD compares: South Asian, 0.0022%; no homozygotes.

Submissions (2):

All of Us Research Program, National Institutes of Health
Classification: Uncertain significance for Wilms tumor 1. Last evaluated: 2023-05-16. Review status: criteria provided, single submitter. Criteria: ACMG Guidelines, 2015. Collection method: clinical testing. Allele origin: germline. Inheritance: Autosomal dominant inheritance. Observed: 1 variant allele, 1 heterozygote.
Comment: This variant causes an A to G nucleotide substitution at the -13 position of intron 9 of the WT1 gene. Splice site prediction tools suggest that this variant may impact RNA splicing. Although this prediction has not been confirmed in published RNA studies. This variant has not been reported in individuals affected with WT1-related disorders in the literature. This variant has not been identified in the general population by the Genome Aggregation Database (gnomAD). The available evidence is insufficient to determine the role of this variant in disease conclusively. Therefore, this variant is classified as a Variant of Uncertain Significance.

This study involves interpretation of variants in research participants for the purpose of population health screening. Participant phenotype was not available at the time of variant classification. Additional details can be found in publication PMID: 35346344, PMCID: PMC8962531

Labcorp Genetics (formerly Invitae), Labcorp
Classification: Likely benign for Wilms tumor 1; Drash syndrome; 11p partial monosomy syndrome; Frasier syndrome. Last evaluated: 2023-01-20. Review status: criteria provided, single submitter. Criteria: Invitae Variant Classification Sherloc (09022015). Collection method: clinical testing. Allele origin: germline.

NM_024426.6(WT1):c.1448-13A>G

Gene: WT1 (WT1 transcription factor; minus strand). Cytogenetic location: 11p13.
Variant type: single nucleotide variant.
Coding change: c.1448-13A>G on transcript NM_024426.6 (MANE Select); 13 bases into the intron before coding-DNA position 1448, A replaced by G.
Molecular consequence: intron variant.
Genome position (GRCh38, 1-based): chr11:32,389,192, T>C on the plus strand (A>G on the coding strand, the complement: WT1 is on the minus strand). VCF-style: chr11-32389192-T-C. GRCh37 (hg19) VCF-style: chr11-32410738-T-C.
Other names: c.1274-13A>G (NM_001407050.1); c.1316-13A>G (NM_001407047.1); c.1307-13A>G (NM_001407048.1); c.1304-13A>G (NM_001407049.1); c.1388-13A>G (NM_000378.6); c.1397-13A>G (NM_001407045.1); c.1433-13A>G (NM_001407044.1); c.1355-13A>G (NM_001407046.1); and 5 more.
Identifiers: ClinVar variation 2943460 (VCV002943460.4), dbSNP rs768449767, ClinGen allele CA219471773.